The following is an entry in ClinVar:

NM_000238.4(KCNH2):c.2967C>T (p.Gly989=)

Gene: KCNH2 (potassium voltage-gated channel subfamily H member 2; minus strand). Cytogenetic location: 7q36.1.
Variant type: single nucleotide variant.
Coding change: c.2967C>T on transcript NM_000238.4 (MANE Select); coding-DNA position 2967, C replaced by T.
Protein change: p.Gly989=; no amino-acid change (glycine 989 retained).
Molecular consequence: synonymous variant.
Genome position (GRCh38, 1-based): chr7:150,947,513, G>A on the plus strand (C>T on the coding strand, the complement: KCNH2 is on the minus strand). VCF-style: chr7-150947513-G-A. GRCh37 (hg19) VCF-style: chr7-150644601-G-A.
Other names: c.1947C>T, p.Gly649= (NM_172057.3).
Identifiers: ClinVar variation 630565 (VCV000630565.34), dbSNP rs759887868, ClinGen allele CA036200.

ClinVar aggregate classification (germline): Likely benign. Review status: criteria provided, multiple submitters, no conflicts (2 of 4 stars). 7 submissions from 7 submitters: Likely benign (7). Last evaluated 2025-12-17.

Conditions:
Cardiovascular phenotype. Identifiers: MedGen CN230736.
Long QT syndrome (LQTS). Identifiers: MedGen C0023976, MeSH D008133, MONDO:0002442. Disease mechanism: loss of function. Inheritance: Various modes of inheritance.
Cardiac arrhythmia. Also called: Arrhythmia; Cardiac rhythm disease. Identifiers: MedGen C0003811, MONDO:0007263, HP:0011675.

Allele frequency attached by ClinVar (database versions not stated): gnomAD 0.00002 and 0.00003; TOPMed 0.00002; 1000 Genomes Project 30x 0.00016; ExAC 0.00027.
gnomAD v4.1: 38 of 1,593,980 alleles (0.0024%); highest among the groups gnomAD compares: East Asian, 0.027%; no homozygotes.

Submissions (8):

Labcorp Genetics (formerly Invitae), Labcorp
Classification: Likely benign for Long QT syndrome. Last evaluated: 2025-12-17. Review status: criteria provided, single submitter. Criteria: Invitae Variant Classification Sherloc (09022015). Collection method: clinical testing. Allele origin: germline.

Molecular Diagnostic Laboratory for Inherited Cardiovascular Disease, Montreal Heart Institute
Classification: Likely benign. Last evaluated: 2025-04-09. Review status: criteria provided, single submitter. Criteria: ACMG Guidelines, 2015. Collection method: clinical testing. Allele origin: germline. Affected: no.

CeGaT Center for Human Genetics Tuebingen
Classification: Likely benign. Last evaluated: 2024-08-01. Review status: criteria provided, single submitter. Criteria: CeGaT Center For Human Genetics Tuebingen Variant Classification Criteria Version 2. Collection method: clinical testing. Allele origin: germline. Affected: yes. Observed: 1 variant allele.
Comment: KCNH2: BP4, BP7

All of Us Research Program, National Institutes of Health
Classification: Likely benign for Long QT syndrome. Last evaluated: 2023-11-20. Review status: criteria provided, single submitter. Criteria: ACMG Guidelines, 2015. Collection method: clinical testing. Allele origin: germline. Inheritance: Autosomal dominant inheritance. Observed: 7 variant alleles, 7 heterozygotes.
Comment: This study involves interpretation of variants in research participants for the purpose of population health screening. Participant phenotype was not available at the time of variant classification. Additional details can be found in publication PMID: 35346344, PMCID: PMC8962531

Ambry Genetics
Classification: Likely benign for Cardiovascular phenotype. Last evaluated: 2019-07-09. Review status: criteria provided, single submitter. Criteria: Ambry Variant Classification Scheme 2023. Collection method: clinical testing. Allele origin: germline.

Color Diagnostics, LLC DBA Color Health
Classification: Likely benign for Arrhythmia. Last evaluated: 2018-08-17. Review status: criteria provided, single submitter. Criteria: ACMG Guidelines, 2015. Collection method: clinical testing. Allele origin: germline.

GeneDx
Classification: Likely benign. Last evaluated: 2018-04-12. Review status: criteria provided, single submitter. Criteria: GeneDx Variant Classification (06012015). Collection method: clinical testing. Allele origin: germline. Affected: yes.
Comment: This variant is considered likely benign or benign based on one or more of the following criteria: it is a conservative change, it occurs at a poorly conserved position in the protein, it is predicted to be benign by multiple in silico algorithms, and/or has population frequency not consistent with disease.

Dr. Peter K. Rogan Lab, Western University
No classification provided (evidence only). Condition: Colon adenocarcinoma. Review status: no classification provided. Collection method: in vitro. Allele origin: not applicable. Functional consequence: retained intron. Not counted in ClinVar's aggregate classification.